The following is an entry in ClinVar:

ClinVar aggregate classification (germline): Conflicting classifications of pathogenicity. Review status: criteria provided, conflicting classifications (1 of 4 stars). 4 submissions from 4 submitters: Uncertain significance (3); Likely benign (1). Last evaluated 2026-01-22.

Conditions:
Immunodeficiency 62. Identifiers: Orphanet 696942, MedGen C5193109, MONDO:0032763, OMIM 618459.

Allele frequency attached by ClinVar (database versions not stated): gnomAD 0.00005; TOPMed 0.00004; ExAC 0.00005; ESP Exome Variant Server 0.00008.
gnomAD v4.1: 54 of 1,576,900 alleles (0.0034%); highest among the groups gnomAD compares: African/African-American, 0.0069%; no homozygotes.

Submissions (4):

Women's Health and Genetics/Laboratory Corporation of America, LabCorp
Classification: Uncertain significance. Last evaluated: 2026-01-22. Review status: criteria provided, single submitter. Criteria: LabCorp Variant Classification Summary - May 2015. Collection method: clinical testing. Allele origin: germline.

Labcorp Genetics (formerly Invitae), Labcorp
Classification: Uncertain significance. Last evaluated: 2024-12-15. Review status: criteria provided, single submitter. Criteria: Invitae Variant Classification Sherloc (09022015). Collection method: clinical testing. Allele origin: germline.
Comment: This sequence change replaces alanine, which is neutral and non-polar, with valine, which is neutral and non-polar, at codon 856 of the ARHGEF1 protein (p.Ala856Val). This variant is present in population databases (rs375950739, gnomAD 0.009%). This variant has not been reported in the literature in individuals affected with ARHGEF1-related conditions. ClinVar contains an entry for this variant (Variation ID: 2084226). An algorithm developed to predict the effect of missense changes on protein structure and function outputs the following: PolyPhen-2: "Benign". The valine amino acid residue is found in multiple mammalian species, which suggests that this missense change does not adversely affect protein function. In summary, the available evidence is currently insufficient to determine the role of this variant in disease. Therefore, it has been classified as a Variant of Uncertain Significance.

Ambry Genetics
Classification: Likely benign. Last evaluated: 2021-10-26. Review status: criteria provided, single submitter. Criteria: Ambry Variant Classification Scheme 2023. Collection method: clinical testing. Allele origin: germline.

Department of Pathology and Laboratory Medicine, Sinai Health System
Classification: Uncertain significance for immunodeficiency 62. Last evaluated: 2020-08-17. Review status: criteria provided, single submitter. Criteria: ACMG Guidelines, 2015. Collection method: research. Allele origin: germline.

NM_004706.4(ARHGEF1):c.2522C>T (p.Ala841Val)

Gene: ARHGEF1 (Rho guanine nucleotide exchange factor 1; plus strand). Cytogenetic location: 19q13.2.
Variant type: single nucleotide variant.
Coding change: c.2522C>T on transcript NM_004706.4 (MANE Select); coding-DNA position 2522, C replaced by T.
Protein change: p.Ala841Val; replaces alanine 841 with valine.
Molecular consequence: missense variant. On other transcripts: non-coding transcript variant (2), intron variant (4).
Genome position (GRCh38, 1-based): chr19:41,906,487, C>T. VCF-style: chr19-41906487-C-T. GRCh37 (hg19) VCF-style: chr19-42410639-C-T.
Other names: c.2690C>T, p.Ala897Val (NM_001396000.1); c.2423C>T, p.Ala808Val (NM_198977.2); c.2567C>T, p.Ala856Val (NM_199002.2); c.2492-216C>T (NM_001396003.1, NM_001396006.1); c.2393-216C>T (NM_001396002.1, NM_001396004.1); short protein forms A856V, A808V, A841V, A897V.
Identifiers: ClinVar variation 2084226 (VCV002084226.7), dbSNP rs375950739, ClinGen allele CA9466775.
Genomic context (GRCh38, chr19:41,906,487, plus strand): 5'-CTGACTCCACCCCTCCTTGCCCCTGGCCAGTGCTGTCCCTGAAGCAGCTTCTGTTTCCGG[C>T]GGAGGAAGACAATGGGGCGGGGCCTCCTCGAGATGGGGATGGGGTCCCAGGGGGCGGCCC-3'
Protein context (NP_004697.2, residues 831-851): VLSLKQLLFP[Ala841Val]EEDNGAGPPR